The following is an entry in ClinVar:

ClinVar aggregate classification (germline): Benign. Review status: criteria provided, multiple submitters, no conflicts (2 of 4 stars). 2 submissions from 2 submitters: Benign (2). Last evaluated 2023-02-20.

Allele frequency attached by ClinVar (database versions not stated): ExAC 0.00013; ESP Exome Variant Server 0.00023; gnomAD 0.00032; TOPMed 0.00035; 1000 Genomes Project 30x 0.00042; 1000 Genomes Project 0.00053.
gnomAD v4.1: 107 of 1,613,550 alleles (0.0066%); highest among the groups gnomAD compares: African/African-American, 0.11%; no homozygotes.

Submissions (2):

Women's Health and Genetics/Laboratory Corporation of America, LabCorp
Classification: Benign. Last evaluated: 2023-02-20. Review status: criteria provided, single submitter. Criteria: LabCorp Variant Classification Summary - May 2015. Collection method: clinical testing. Allele origin: germline.
Comment: Variant summary: SHOX c.633+5C>G alters a nucleotide located close to a canonical splice site and therefore could affect mRNA splicing. Several computational tools predict the variant strengthens the canonical 5 donor site. However, these predictions have yet to be confirmed by functional studies. The variant allele was found at a frequency of 0.0001 in 251140 control chromosomes, predominantly at a frequency of 0.0014 within the African or African-American subpopulation in the gnomAD database. The observed variant frequency within African or African-American control individuals in the gnomAD database is approximately 5.6 fold of the estimated maximal expected allele frequency for a pathogenic variant in SHOX causing Leri-Weill Dyschondrosteosis phenotype (0.00025), strongly suggesting that the variant is a benign polymorphism found primarily in populations of African or African-American origin. To our knowledge, no occurrence of c.633+5C>G in individuals affected with Leri-Weill Dyschondrosteosis and no experimental evidence demonstrating its impact on protein function have been reported. One clinical diagnostic laboratory has submitted clinical-significance assessments for this variant to ClinVar after 2014 without evidence for independent evaluation. One laboratory classified the variant as benign. Based on the evidence outlined above, the variant was classified as benign.

Athena Diagnostics
Classification: Benign. Last evaluated: 2021-04-12. Review status: criteria provided, single submitter. Criteria: Athena Diagnostics criteria. Collection method: clinical testing. Allele origin: unknown.

NM_000451.4(SHOX):c.633+5C>G

Gene: SHOX (SHOX homeobox; plus strand). Cytogenetic location: Yp11.2.
Variant type: single nucleotide variant.
Coding change: c.633+5C>G on transcript NM_000451.4 (MANE Select); 5 bases into the intron after coding-DNA position 633, C replaced by G.
Molecular consequence: intron variant.
Genome position (GRCh38, 1-based): chrX:641,092, C>G. VCF-style: chrX-641092-C-G. GRCh37 (hg19) VCF-style: chrX-601827-C-G.
Other names: c.633+5C>G (NM_006883.2).
Identifiers: ClinVar variation 448374 (VCV000448374.3), dbSNP rs374178366, ClinGen allele CA10330079.